The following is an entry in ClinVar:

NM_005591.4(MRE11):c.305G>T (p.Gly102Val)

Gene: MRE11 (MRE11 double strand break repair nuclease; minus strand). Cytogenetic location: 11q21.
Variant type: single nucleotide variant.
Coding change: c.305G>T on transcript NM_005591.4 (MANE Select); coding-DNA position 305, G replaced by T.
Protein change: p.Gly102Val; replaces glycine 102 with valine.
Molecular consequence: missense variant.
Genome position (GRCh38, 1-based): chr11:94,485,933, C>A on the plus strand (G>T on the coding strand, the complement: MRE11 is on the minus strand). VCF-style: chr11-94485933-C-A. GRCh37 (hg19) VCF-style: chr11-94219099-C-A.
Other names: c.305G>T, p.Gly102Val (NM_001330347.2, NM_005590.4); short protein forms G102V.
Identifiers: ClinVar variation 141414 (VCV000141414.16), dbSNP rs199736271, ClinGen allele CA333207.
Genomic context (GRCh38, chr11:94,485,933, plus strand): 5'-GCAAATACCATACACAAGTAATCACTCACTCAAGTAAATAAATATACTTACTTACTAAAA[C>A]CAAAGTTGACTGACTGATCACTGAGAATTTCAAACTGGACAGGCCGATCACCCATACAAT-3'
Protein context (NP_005582.1, residues 92-112): EILSDQSVNF[Gly102Val]FSKFPWVNYQ

ClinVar aggregate classification (germline): Conflicting classifications of pathogenicity. Review status: criteria provided, conflicting classifications (1 of 4 stars). 5 submissions from 5 submitters: Uncertain significance (3); Likely benign (1). 1 of the submissions does not count toward it. Last evaluated 2024-01-23.

Conditions:
Ataxia-telangiectasia-like disorder (ATLD). Identifiers: MedGen C1858391, MONDO:0011457.
Hereditary cancer-predisposing syndrome. Also called: Tumor predisposition; Neoplastic Syndromes, Hereditary; Hereditary neoplastic syndrome; Hereditary Cancer Syndrome. Identifiers: Orphanet 140162, MedGen C0027672, MeSH D009386, MONDO:0015356.
Ataxia-telangiectasia-like disorder 1 (ATLD1). Identifiers: Orphanet 251347, MedGen C4012790, MONDO:0024557, OMIM 604391.
Premature menopause. Identifiers: MedGen C0025322, MONDO:0001119.

Allele frequency attached by ClinVar (database versions not stated): ExAC 0.00012; gnomAD exomes 0.00006 and 0.00012; gnomAD 0.00003; TOPMed 0.00001.
gnomAD v4.1: 90 of 1,612,556 alleles (0.0056%); highest among the groups gnomAD compares: South Asian, 0.06%; 1 homozygote.

Submissions (5):

Baylor Genetics
Classification: Uncertain significance for Ataxia-telangiectasia-like disorder 1. Last evaluated: 2024-01-23. Review status: criteria provided, single submitter. Criteria: ACMG Guidelines, 2015. Collection method: clinical testing. Allele origin: unknown.

Ambry Genetics
Classification: Likely benign for Hereditary cancer-predisposing syndrome. Last evaluated: 2021-11-30. Review status: criteria provided, single submitter. Criteria: Ambry Variant Classification Scheme 2023. Collection method: clinical testing. Allele origin: germline.

Labcorp Genetics (formerly Invitae), Labcorp
Classification: Uncertain significance for Ataxia-telangiectasia-like disorder. Last evaluated: 2021-08-24. Review status: criteria provided, single submitter. Criteria: Invitae Variant Classification Sherloc (09022015). Collection method: clinical testing. Allele origin: germline.
Comment: This sequence change replaces glycine with valine at codon 102 of the MRE11 protein (p.Gly102Val). The glycine residue is moderately conserved and there is a moderate physicochemical difference between glycine and valine. This variant is present in population databases (rs199736271, ExAC 0.08%). This variant has not been reported in the literature in individuals affected with MRE11-related conditions. ClinVar contains an entry for this variant (Variation ID: 141414). Algorithms developed to predict the effect of missense changes on protein structure and function (SIFT, PolyPhen-2, Align-GVGD) all suggest that this variant is likely to be tolerated. In summary, the available evidence is currently insufficient to determine the role of this variant in disease. Therefore, it has been classified as a Variant of Uncertain Significance.

GeneKor MSA
Classification: Uncertain significance for Hereditary cancer-predisposing syndrome. Last evaluated: 2018-08-01. Review status: criteria provided, single submitter. Criteria: ACMG Guidelines, 2015. Collection method: clinical testing. Allele origin: germline. Affected: yes.

Reproductive Development, Murdoch Childrens Research Institute
Classification: Uncertain significance for Premature ovarian insufficiency. Last evaluated: 2018-01-10. Review status: no assertion criteria provided. Criteria: ACMG Guidelines, 2015. Collection method: research. Allele origin: germline. Affected: yes. Not counted in ClinVar's aggregate classification.

Literature cited by the submitters: PubMed 30924587 (cited by Ambry Genetics).